The following is an entry in ClinVar:

ClinVar aggregate classification (germline): Uncertain significance (1 of 4 stars; one submission).

Conditions:
KSR2-related disorder. Also called: KSR2-related condition.

gnomAD v4.1: 1 of 1,613,276 alleles (0.000062%); highest among the groups gnomAD compares: African/African-American, 0.0013%; no homozygotes.

Submission:

PreventionGenetics, part of Exact Sciences
Classification: Uncertain significance for KSR2-related condition. Last evaluated: 2025-12-19. Review status: criteria provided, single submitter. Criteria: ACMG Guidelines, 2015. Collection method: clinical testing. Allele origin: germline.
Comment: The KSR2 c.967C>T variant is predicted to result in the amino acid substitution p.Pro323Ser. To our knowledge, this variant has not been reported in the literature. This variant is reported in 0.0065% of alleles in individuals of African descent in gnomAD. At this time, the clinical significance of this variant is uncertain due to the absence of conclusive functional and genetic evidence.

NM_173598.6(KSR2):c.1054C>T (p.Pro352Ser)

Gene: KSR2 (kinase suppressor of ras 2; minus strand). Cytogenetic location: 12q24.22.
Variant type: single nucleotide variant.
Coding change: c.1054C>T on transcript NM_173598.6 (MANE Select); coding-DNA position 1054, C replaced by T.
Protein change: p.Pro352Ser; replaces proline 352 with serine.
Molecular consequence: missense variant.
Genome position (GRCh38, 1-based): chr12:117,667,591, G>A on the plus strand (C>T on the coding strand, the complement: KSR2 is on the minus strand). VCF-style: chr12-117667591-G-A. GRCh37 (hg19) VCF-style: chr12-118105396-G-A.
Other names: short protein forms P352S.
Identifiers: ClinVar variation 5000502 (VCV005000502.1).
Genomic context (GRCh38, chr12:117,667,591, plus strand): 5'-GTCCCACAAAGAAGGAGCGGAGGGAGCGCTCGGACAGCAGCGGGGAGCGCTGCTGAGAGG[G>A]GATGTTCTCGCAGCTGCCTACGCTGCTGTGGATCTTGAGGTTCAAGGGTTTGCTCTTCTT-3'
Protein context (NP_775869.4, residues 342-362): HSSVGSCENI[Pro352Ser]SQQRSPLLSE